The following is an entry in ClinVar:

ClinVar aggregate classification (germline): Uncertain significance (1 of 4 stars; one submission).

Conditions:
Dilated cardiomyopathy 1DD (CMD1DD). Identifiers: Orphanet 154, MedGen C2750995, MONDO:0013168, OMIM 613172.

Submission:

MVZ Medizinische Genetik Mainz
Classification: Uncertain significance for Dilated cardiomyopathy 1DD. Last evaluated: 2025-01-07. Review status: criteria provided, single submitter. Criteria: UK Practice Guidelines For Variant Classification V4 01 2020. Collection method: clinical testing. Allele origin: germline. Inheritance: Autosomal dominant inheritance. Affected: yes. Observed: 1 variant allele.
Comment: ACMG Criteria: PM2_SUP,PP3

NM_001134363.3(RBM20):c.3317-2A>T

Gene: RBM20 (RNA binding motif protein 20; plus strand). Cytogenetic location: 10q25.2.
Variant type: single nucleotide variant.
Coding change: c.3317-2A>T on transcript NM_001134363.3 (MANE Select); the canonical splice acceptor site of the intron before coding-DNA position 3317, A replaced by T.
Molecular consequence: splice acceptor variant.
Genome position (GRCh38, 1-based): chr10:110,823,478, A>T. VCF-style: chr10-110823478-A-T. GRCh37 (hg19) VCF-style: chr10-112583236-A-T.
Identifiers: ClinVar variation 3601995 (VCV003601995.1).